The following is an entry in ClinVar:

NM_001126108.2(SLC12A3):c.971T>A (p.Ile324Asn)

Gene: SLC12A3 (solute carrier family 12 member 3; plus strand). Cytogenetic location: 16q13.
Variant type: single nucleotide variant.
Coding change: c.971T>A on transcript NM_001126108.2 (MANE Select); coding-DNA position 971, T replaced by A.
Protein change: p.Ile324Asn; replaces isoleucine 324 with asparagine.
Molecular consequence: missense variant.
Genome position (GRCh38, 1-based): chr16:56,872,662, T>A. VCF-style: chr16-56872662-T-A. GRCh37 (hg19) VCF-style: chr16-56906574-T-A.
Other names: c.971T>A, p.Ile324Asn (NM_000339.3); c.968T>A, p.Ile323Asn (NM_001126107.2, NM_001410896.1); short protein forms I323N, I324N.
Identifiers: ClinVar variation 3251290 (VCV003251290.1), dbSNP rs1476139515.

ClinVar aggregate classification (germline): Uncertain significance (1 of 4 stars; one submission).

Allele frequency attached by ClinVar (database versions not stated): gnomAD exomes below 0.00001; TOPMed 0.00002.
gnomAD v4.1: 1 of 1,614,224 alleles (0.000062%); highest among the groups gnomAD compares: East Asian, 0.0022%; no homozygotes.

Submission:

Women's Health and Genetics/Laboratory Corporation of America, LabCorp
Classification: Uncertain significance. Last evaluated: 2024-04-15. Review status: criteria provided, single submitter. Criteria: LabCorp Variant Classification Summary - May 2015. Collection method: clinical testing. Allele origin: germline.
Comment: Variant summary: SLC12A3 c.971T>A (p.Ile324Asn) results in a non-conservative amino acid change located in the Amino acid permease/ SLC12A domain (IPR004841) of the encoded protein sequence. Three of five in-silico tools predict a damaging effect of the variant on protein function. The variant was absent in 251462 control chromosomes. The available data on variant occurrences in the general population are insufficient to allow any conclusion about variant significance. c.971T>A has been reported in the literature in compound heterozygous individuals affected with Gitelman syndrome, with one individual reportedly carrying multiple additional variants in cis and trans to the variant (e.g. Zhang_2021). These data do not allow any conclusion about variant significance. To our knowledge, no experimental evidence demonstrating an impact on protein function has been reported. The following publication has been ascertained in the context of this evaluation (PMID: 33996672). No submitters have cited clinical-significance assessments for this variant to ClinVar. Based on the evidence outlined above, the variant was classified as uncertain significance.

Literature cited by the submitters: PubMed 33996672.